The following is an entry in ClinVar:

ClinVar aggregate classification (germline): Uncertain significance (1 of 4 stars; one submission).

Conditions:
Hereditary cancer-predisposing syndrome. Also called: Hereditary neoplastic syndrome; Neoplastic Syndromes, Hereditary; Tumor predisposition; Hereditary Cancer Syndrome. Identifiers: Orphanet 140162, MedGen C0027672, MeSH D009386, MONDO:0015356.

Allele frequency attached by ClinVar (database versions not stated): gnomAD exomes below 0.00001.
gnomAD v4.1: 2 of 1,610,836 alleles (0.00012%); highest among the groups gnomAD compares: Non-Finnish European, 0.00017%; no homozygotes.

Submission:

Labcorp Genetics (formerly Invitae), Labcorp
Classification: Uncertain significance for Hereditary cancer-predisposing syndrome. Last evaluated: 2025-09-02. Review status: criteria provided, single submitter. Criteria: Invitae Variant Classification Sherloc (09022015). Collection method: clinical testing. Allele origin: germline.
Comment: This sequence change replaces lysine, which is basic and polar, with arginine, which is basic and polar, at codon 973 of the RAD50 protein (p.Lys973Arg). This variant is not present in population databases (gnomAD no frequency). This variant has not been reported in the literature in individuals affected with RAD50-related conditions. ClinVar contains an entry for this variant (Variation ID: 947029). Invitae Evidence Modeling of protein sequence and biophysical properties (such as structural, functional, and spatial information, amino acid conservation, physicochemical variation, residue mobility, and thermodynamic stability) has been performed for this missense variant. However, the output from this modeling did not meet the statistical confidence thresholds required to predict the impact of this variant on RAD50 protein function. In summary, the available evidence is currently insufficient to determine the role of this variant in disease. Therefore, it has been classified as a Variant of Uncertain Significance.

NM_005732.4(RAD50):c.2918A>G (p.Lys973Arg)

Gene: RAD50 (RAD50 double strand break repair protein; plus strand). Cytogenetic location: 5q31.1.
Variant type: single nucleotide variant.
Coding change: c.2918A>G on transcript NM_005732.4 (MANE Select); coding-DNA position 2918, A replaced by G.
Protein change: p.Lys973Arg; replaces lysine 973 with arginine.
Molecular consequence: missense variant.
Genome position (GRCh38, 1-based): chr5:132,609,205, A>G. VCF-style: chr5-132609205-A-G. GRCh37 (hg19) VCF-style: chr5-131944897-A-G.
Other names: short protein forms K973R.
Identifiers: ClinVar variation 947029 (VCV000947029.10), dbSNP rs1129482, ClinGen allele CA360960050.